The following is an entry in ClinVar:

ClinVar aggregate classification (germline): Uncertain significance (1 of 4 stars; one submission).

Conditions:
Inborn genetic diseases. Identifiers: MedGen C0950123, MeSH D030342.

gnomAD v4.1: 2 of 1,527,122 alleles (0.00013%); highest among the groups gnomAD compares: Non-Finnish European, 0.00017%; no homozygotes.

Submission:

Ambry Genetics
Classification: Uncertain significance for Inborn genetic diseases. Last evaluated: 2025-05-19. Review status: criteria provided, single submitter. Criteria: Ambry Variant Classification Scheme 2023. Collection method: clinical testing. Allele origin: germline.
Comment: The p.N8D variant (also known as c.22A>G), located in coding exon 1 of the FANCA gene, results from an A to G substitution at nucleotide position 22. The asparagine at codon 8 is replaced by aspartic acid, an amino acid with highly similar properties. This amino acid position is conserved. In addition, this alteration is predicted to be tolerated by in silico analysis. Based on the available evidence, the clinical significance of this variant remains unclear.

NM_000135.4(FANCA):c.22A>G (p.Asn8Asp)

Genes: FANCA (FA complementation group A; minus strand), LOC112486223 (Sharpr-MPRA regulatory region 3988; plus strand). Cytogenetic location: 16q24.3.
Variant type: single nucleotide variant.
Coding change: c.22A>G on transcript NM_000135.4 (MANE Select); coding-DNA position 22, A replaced by G.
Protein change: p.Asn8Asp; replaces asparagine 8 with aspartic acid.
Molecular consequence: missense variant.
Genome position (GRCh38, 1-based): chr16:89,816,594, T>C on the plus strand (A>G on the coding strand, the complement: FANCA is on the minus strand). VCF-style: chr16-89816594-T-C. GRCh37 (hg19) VCF-style: chr16-89883002-T-C.
Other names: c.22A>G, p.Asn8Asp (NM_001018112.3, NM_001286167.3, NM_001351830.2); short protein forms N8D.
Identifiers: ClinVar variation 4022289 (VCV004022289.1).